The following is an entry in ClinVar:

NM_006509.4(RELB):c.415C>T (p.Arg139Cys)

Gene: RELB (RELB proto-oncogene, NF-kB subunit; plus strand). Cytogenetic location: 19q13.32.
Variant type: single nucleotide variant.
Coding change: c.415C>T on transcript NM_006509.4 (MANE Select); coding-DNA position 415, C replaced by T.
Protein change: p.Arg139Cys; replaces arginine 139 with cysteine.
Molecular consequence: missense variant.
Genome position (GRCh38, 1-based): chr19:45,012,187, C>T. VCF-style: chr19-45012187-C-T. GRCh37 (hg19) VCF-style: chr19-45515445-C-T.
Other names: c.406C>T, p.Arg136Cys (NM_001411087.1); short protein forms R139C, R136C.
Identifiers: ClinVar variation 3643641 (VCV003643641.2).
Genomic context (GRCh38, chr19:45,012,187, plus strand): 5'-CCGGGCCCGGGCCCGCAGCCGCACCTGGTCATCACGGAGCAGCCCAAGCAGCGCGGCATG[C>T]GCTTCCGCTACGAGTGCGAGGGCCGCTCGGCCGGCAGCATCCTTGGGGAGAGCAGCACCG-3'
Protein context (NP_006500.2, residues 129-149): ITEQPKQRGM[Arg139Cys]FRYECEGRSA

ClinVar aggregate classification (germline): Uncertain significance (1 of 4 stars; one submission).

gnomAD v4.1: 2 of 1,541,160 alleles (0.00013%); highest among the groups gnomAD compares: South Asian, 0.0012%; no homozygotes.

Submission:

Labcorp Genetics (formerly Invitae), Labcorp
Classification: Uncertain significance. Last evaluated: 2024-02-29. Review status: criteria provided, single submitter. Criteria: Invitae Variant Classification Sherloc (09022015). Collection method: clinical testing. Allele origin: germline.
Comment: This sequence change replaces arginine, which is basic and polar, with cysteine, which is neutral and slightly polar, at codon 139 of the RELB protein (p.Arg139Cys). This variant is not present in population databases (gnomAD no frequency). This variant has not been reported in the literature in individuals affected with RELB-related conditions. An algorithm developed to predict the effect of missense changes on protein structure and function (PolyPhen-2) suggests that this variant is likely to be disruptive. In summary, the available evidence is currently insufficient to determine the role of this variant in disease. Therefore, it has been classified as a Variant of Uncertain Significance.